The following is an entry in ClinVar:

NM_006441.4(MTHFS):c.28A>C (p.Lys10Gln)

Genes: MTHFS (methenyltetrahydrofolate synthetase; minus strand), ST20-MTHFS (ST20-MTHFS readthrough; minus strand). Cytogenetic location: 15q25.1.
Variant type: single nucleotide variant.
Coding change: c.28A>C on transcript NM_006441.4 (MANE Select); coding-DNA position 28, A replaced by C.
Protein change: p.Lys10Gln; replaces lysine 10 with glutamine.
Molecular consequence: missense variant. On other transcripts: non-coding transcript variant (1), intron variant (2).
Genome position (GRCh38, 1-based): chr15:79,896,961, T>G on the plus strand (A>C on the coding strand, the complement: MTHFS is on the minus strand). VCF-style: chr15-79896961-T-G. GRCh37 (hg19) VCF-style: chr15-80189303-T-G.
Other names: c.46-7607A>C (NM_001199760.2); c.-55+200A>C (NM_001199758.1); short protein forms K10Q.
Identifiers: ClinVar variation 1995722 (VCV001995722.4), dbSNP rs775176873, ClinGen allele CA393610683.
Genomic context (GRCh38, chr15:79,896,961, plus strand): 5'-GCCGCTCCTCGGCACTCATCGCCCGCAGACGCTGCTTCAGCTCTCCCCGCAGGCTCCGCT[T>G]GGCGCTGCTCACCGCTGCCGCCGCCATCTCACGCCCAAGCCGAGTCCAGTCCCGCCCTCG-3'
Protein context (NP_006432.1, residues 1-20): MAAAAVSSA[Lys10Gln]RSLRGELKQR

ClinVar aggregate classification (germline): Uncertain significance (1 of 4 stars; one submission).

Submission:

Labcorp Genetics (formerly Invitae), Labcorp
Classification: Uncertain significance. Last evaluated: 2022-05-23. Review status: criteria provided, single submitter. Criteria: Invitae Variant Classification Sherloc (09022015). Collection method: clinical testing. Allele origin: germline.
Comment: In summary, the available evidence is currently insufficient to determine the role of this variant in disease. Therefore, it has been classified as a Variant of Uncertain Significance. Algorithms developed to predict the effect of missense changes on protein structure and function are either unavailable or do not agree on the potential impact of this missense change (SIFT: "Deleterious"; PolyPhen-2: "Probably Damaging"; Align-GVGD: "Class C0"). This variant has not been reported in the literature in individuals affected with MTHFS-related conditions. This variant is not present in population databases (gnomAD no frequency). This sequence change replaces lysine, which is basic and polar, with glutamine, which is neutral and polar, at codon 10 of the MTHFS protein (p.Lys10Gln).